The following is an entry in ClinVar:

NM_000023.4(SGCA):c.584+156G>A

Gene: SGCA (sarcoglycan alpha; plus strand). Cytogenetic location: 17q21.33.
Variant type: single nucleotide variant.
Coding change: c.584+156G>A on transcript NM_000023.4 (MANE Select); 156 bases into the intron after coding-DNA position 584, G replaced by A.
Molecular consequence: intron variant.
Genome position (GRCh38, 1-based): chr17:50,168,728, G>A. VCF-style: chr17-50168728-G-A. GRCh37 (hg19) VCF-style: chr17-48246089-G-A.
Other names: c.584+156G>A (NM_001135697.3).
Identifiers: ClinVar variation 678433 (VCV000678433.1), dbSNP rs56273576, ClinGen allele CA291536624.
Genomic context (GRCh38, chr17:50,168,728, plus strand): 5'-ACCACGCACATCTCCACCTCCCAGCTTCACACCCCTCACCACTCTCCTCTGGCTATACCC[G>A]CATCTCCTTGTCCTTCCAGAGCCTAGACCCTAGTTACCCTGAACTCTGTACTTCCTGGTG-3'

ClinVar aggregate classification (germline): Likely benign (1 of 4 stars; one submission).

Allele frequency attached by ClinVar (database versions not stated): TOPMed 0.01090; 1000 Genomes Project 0.01378; 1000 Genomes Project 30x 0.01499.
gnomAD v4.1: 1,485 of 151,932 alleles (0.98%); highest among the groups gnomAD compares: African/African-American, 3.3%; 24 homozygotes.

Submission:

GeneDx
Classification: Likely benign. Last evaluated: 2018-06-18. Review status: criteria provided, single submitter. Criteria: GeneDx Variant Classification (06012015). Collection method: clinical testing. Allele origin: germline. Affected: yes.
Comment: This variant is considered likely benign or benign based on one or more of the following criteria: it is a conservative change, it occurs at a poorly conserved position in the protein, it is predicted to be benign by multiple in silico algorithms, and/or has population frequency not consistent with disease.